The following is an entry in ClinVar:

NM_002834.5(PTPN11):c.982A>G (p.Ile328Val)

Gene: PTPN11 (protein tyrosine phosphatase non-receptor type 11; plus strand). Cytogenetic location: 12q24.13.
Variant type: single nucleotide variant.
Coding change: c.982A>G on transcript NM_002834.5 (MANE Select); coding-DNA position 982, A replaced by G.
Protein change: p.Ile328Val; replaces isoleucine 328 with valine.
Molecular consequence: missense variant.
Genome position (GRCh38, 1-based): chr12:112,477,905, A>G. VCF-style: chr12-112477905-A-G. GRCh37 (hg19) VCF-style: chr12-112915709-A-G.
Other names: c.982A>G, p.Ile328Val (NM_001330437.2, NM_080601.3); c.979A>G, p.Ile327Val (NM_001374625.1); short protein forms I327V, I328V.
Identifiers: ClinVar variation 4825457 (VCV004825457.1).

ClinVar aggregate classification (germline): Uncertain significance (1 of 4 stars; one submission).

Conditions:
Cardiovascular phenotype. Identifiers: MedGen CN230736.

gnomAD v4.1: 2 of 1,614,216 alleles (0.00012%); highest among the groups gnomAD compares: Non-Finnish European, 0.000085%; no homozygotes.

Submission:

Ambry Genetics
Classification: Uncertain significance for Cardiovascular phenotype. Last evaluated: 2026-01-22. Review status: criteria provided, single submitter. Criteria: Ambry Variant Classification Scheme 2023. Collection method: clinical testing. Allele origin: germline.
Comment: The p.I328V variant (also known as c.982A>G), located in coding exon 9 of the PTPN11 gene, results from an A to G substitution at nucleotide position 982. The isoleucine at codon 328 is replaced by valine, an amino acid with highly similar properties. This amino acid position is conserved. In addition, this alteration is predicted to be deleterious by in silico analysis. Based on the available evidence, the clinical significance of this variant remains unclear.